The following is an entry in ClinVar:

NM_000368.5(TSC1):c.1269G>C (p.Glu423Asp)

Gene: TSC1 (TSC complex subunit 1; minus strand). Cytogenetic location: 9q34.13.
Variant type: single nucleotide variant.
Coding change: c.1269G>C on transcript NM_000368.5 (MANE Select); coding-DNA position 1269, G replaced by C.
Protein change: p.Glu423Asp; replaces glutamic acid 423 with aspartic acid.
Molecular consequence: missense variant.
Genome position (GRCh38, 1-based): chr9:132,907,365, C>G on the plus strand (G>C on the coding strand, the complement: TSC1 is on the minus strand). VCF-style: chr9-132907365-C-G. GRCh37 (hg19) VCF-style: chr9-135782752-C-G.
Other names: c.1266G>C, p.Glu422Asp (NM_001162426.2); c.1116G>C, p.Glu372Asp (NM_001162427.2); c.906G>C, p.Glu302Asp (NM_001362177.2); short protein forms E302D, E372D, E422D, E423D.
Identifiers: ClinVar variation 1470924 (VCV001470924.10), dbSNP rs1272450087, ClinGen allele CA375366218.

ClinVar aggregate classification (germline): Uncertain significance. Review status: criteria provided, multiple submitters, no conflicts (2 of 4 stars). 3 submissions from 3 submitters: Uncertain significance (3). Last evaluated 2025-05-01.

Conditions:
Hereditary cancer-predisposing syndrome. Also called: Neoplastic Syndromes, Hereditary; Hereditary Cancer Syndrome; Tumor predisposition; Hereditary neoplastic syndrome. Identifiers: Orphanet 140162, MedGen C0027672, MeSH D009386, MONDO:0015356.
Tuberous sclerosis 1 (TSC1). Identifiers: Orphanet 805, MedGen C1854465, MONDO:0008612, OMIM 191100.

Allele frequency attached by ClinVar (database versions not stated): TOPMed below 0.00001; gnomAD 0.00001.
gnomAD v4.1: 1 of 1,613,406 alleles (0.000062%); highest among the groups gnomAD compares: Non-Finnish European, 0.000085%; no homozygotes.

Submissions (3):

Ambry Genetics
Classification: Uncertain significance for Hereditary cancer-predisposing syndrome. Last evaluated: 2025-05-01. Review status: criteria provided, single submitter. Criteria: Ambry Variant Classification Scheme 2023. Collection method: clinical testing. Allele origin: germline.
Comment: The p.E423D variant (also known as c.1269G>C), located in coding exon 11 of the TSC1 gene, results from a G to C substitution at nucleotide position 1269. The glutamic acid at codon 423 is replaced by aspartic acid, an amino acid with highly similar properties. This amino acid position is not well conserved in available vertebrate species. In addition, this alteration is predicted to be tolerated by in silico analysis. Since supporting evidence is limited at this time, the clinical significance of this alteration remains unclear.

Genomic Medicine Center of Excellence, King Faisal Specialist Hospital and Research Centre
Classification: Uncertain significance for Tuberous sclerosis 1. Last evaluated: 2024-03-25. Review status: criteria provided, single submitter. Criteria: ACMG Guidelines, 2015. Collection method: clinical testing. Allele origin: germline.

Labcorp Genetics (formerly Invitae), Labcorp
Classification: Uncertain significance for Tuberous sclerosis 1. Last evaluated: 2022-05-12. Review status: criteria provided, single submitter. Criteria: Invitae Variant Classification Sherloc (09022015). Collection method: clinical testing. Allele origin: germline.
Comment: In summary, the available evidence is currently insufficient to determine the role of this variant in disease. Therefore, it has been classified as a Variant of Uncertain Significance. Algorithms developed to predict the effect of missense changes on protein structure and function output the following: SIFT: "Tolerated"; PolyPhen-2: "Benign"; Align-GVGD: "Class C0". The aspartic acid amino acid residue is found in multiple mammalian species, which suggests that this missense change does not adversely affect protein function. This variant has not been reported in the literature in individuals affected with TSC1-related conditions. This variant is not present in population databases (gnomAD no frequency). This sequence change replaces glutamic acid, which is acidic and polar, with aspartic acid, which is acidic and polar, at codon 423 of the TSC1 protein (p.Glu423Asp).